The following is an entry in ClinVar:

ClinVar aggregate classification (germline): Uncertain significance. Review status: criteria provided, multiple submitters, no conflicts (2 of 4 stars). 3 submissions from 3 submitters: Uncertain significance (3). Last evaluated 2025-04-30.

Conditions:
Developmental and epileptic encephalopathy, 36 (DEE36). Also called: ALG13-CDG; Epileptic encephalopathy, early infantile, 36; Congenital disorder of glycosylation, type Is. Identifiers: Orphanet 324422, MedGen C4317295, MONDO:0010472, OMIM 300884.

Submissions (3):

Women's Health and Genetics/Laboratory Corporation of America, LabCorp
Classification: Uncertain significance. Last evaluated: 2025-04-30. Review status: criteria provided, single submitter. Criteria: LabCorp Variant Classification Summary - May 2015. Collection method: clinical testing. Allele origin: germline.
Comment: Variant summary: ALG13 c.2237C>T (p.Pro746Leu) results in a non-conservative amino acid change in the encoded protein sequence. Three of five in-silico tools predict a damaging effect of the variant on protein function. The variant was absent in 163811 control chromosomes. The available data on variant occurrences in the general population are insufficient to allow any conclusion about variant significance. To our knowledge, no occurrence of c.2237C>T in individuals affected with Epileptic Encephalopathy, Early Infantile, 36 and no experimental evidence demonstrating its impact on protein function have been reported. ClinVar contains an entry for this variant (Variation ID: 1704717). Based on the evidence outlined above, the variant was classified as uncertain significance.

GeneDx
Classification: Uncertain significance. Last evaluated: 2023-08-18. Review status: criteria provided, single submitter. Criteria: GeneDx Variant Classification Process June 2021. Collection method: clinical testing. Allele origin: germline. Affected: yes.
Comment: Not observed at significant frequency in large population cohorts (gnomAD); In silico analysis supports that this missense variant has a deleterious effect on protein structure/function; Has not been previously published as pathogenic or benign to our knowledge

Labcorp Genetics (formerly Invitae), Labcorp
Classification: Uncertain significance for Developmental and epileptic encephalopathy, 36. Last evaluated: 2022-05-08. Review status: criteria provided, single submitter. Criteria: Invitae Variant Classification Sherloc (09022015). Collection method: clinical testing. Allele origin: germline.
Comment: This sequence change replaces proline, which is neutral and non-polar, with leucine, which is neutral and non-polar, at codon 746 of the ALG13 protein (p.Pro746Leu). This variant is not present in population databases (gnomAD no frequency). This variant has not been reported in the literature in individuals affected with ALG13-related conditions. Algorithms developed to predict the effect of missense changes on protein structure and function are either unavailable or do not agree on the potential impact of this missense change (SIFT: "Deleterious"; PolyPhen-2: "Possibly Damaging"; Align-GVGD: "Class C15"). In summary, the available evidence is currently insufficient to determine the role of this variant in disease. Therefore, it has been classified as a Variant of Uncertain Significance.

NM_001099922.3(ALG13):c.2237C>T (p.Pro746Leu)

Gene: ALG13 (ALG13 UDP-N-acetylglucosaminyltransferase subunit; plus strand). Cytogenetic location: Xq23.
Variant type: single nucleotide variant.
Coding change: c.2237C>T on transcript NM_001099922.3 (MANE Select); coding-DNA position 2237, C replaced by T.
Protein change: p.Pro746Leu; replaces proline 746 with leucine.
Molecular consequence: missense variant. On other transcripts: non-coding transcript variant (1).
Genome position (GRCh38, 1-based): chrX:111,727,760, C>T. VCF-style: chrX-111727760-C-T. GRCh37 (hg19) VCF-style: chrX-110970988-C-T.
Other names: c.2237C>T, p.Pro746Leu (NM_001324292.2); c.1751C>T, p.Pro584Leu (NM_001324293.1); c.1925C>T, p.Pro642Leu (NM_001257230.2, NM_001257234.2, NM_001257237.2); c.2003C>T, p.Pro668Leu (NM_001257231.2); short protein forms P584L, P642L, P668L, P746L.
Identifiers: ClinVar variation 1704717 (VCV001704717.6), dbSNP rs2525960192, ClinGen allele CA414253588.
Genomic context (GRCh38, chrX:111,727,760, plus strand): 5'-GGGGCTTGGAAGAAACTATTACTTTTTATGAAGTTGAAGAAGGGGATGAGACTGCTTATC[C>T]AACTTTACCTGTGAGTGGATCAATGCTTTACTCAAAAAGCTGTTTACTTTTTTCATTTAT-3'
Protein context (NP_001093392.1, residues 736-756): EVEEGDETAY[Pro746Leu]TLPNHGGPST